The following is an entry in ClinVar:

ClinVar aggregate classification (germline): Uncertain significance. Review status: criteria provided, multiple submitters, no conflicts (2 of 4 stars). 2 submissions from 2 submitters: Uncertain significance (2). Last evaluated 2026-01-26.

Conditions:
Inborn genetic diseases. Identifiers: MedGen C0950123, MeSH D030342.

Allele frequency attached by ClinVar (database versions not stated): gnomAD 0.00001; TOPMed 0.00002.
gnomAD v4.1: 1 of 1,614,070 alleles (0.000062%); highest among the groups gnomAD compares: African/African-American, 0.0013%; no homozygotes.

Submissions (2):

Ambry Genetics
Classification: Uncertain significance for Inborn genetic diseases. Last evaluated: 2026-01-26. Review status: criteria provided, single submitter. Criteria: Ambry Variant Classification Scheme 2023. Collection method: clinical testing. Allele origin: germline.

GeneDx
Classification: Uncertain significance. Last evaluated: 2023-11-27. Review status: criteria provided, single submitter. Criteria: GeneDx Variant Classification Process June 2021. Collection method: clinical testing. Allele origin: germline. Affected: yes.
Comment: Not observed at significant frequency in large population cohorts (gnomAD); In silico analysis supports that this missense variant does not alter protein structure/function; Has not been previously published as pathogenic or benign to our knowledge

NM_003060.4(SLC22A5):c.1081C>A (p.Leu361Ile)

Gene: SLC22A5 (solute carrier family 22 member 5; plus strand). Cytogenetic location: 5q31.1.
Variant type: single nucleotide variant.
Coding change: c.1081C>A on transcript NM_003060.4 (MANE Select); coding-DNA position 1081, C replaced by A.
Protein change: p.Leu361Ile; replaces leucine 361 with isoleucine.
Molecular consequence: missense variant.
Genome position (GRCh38, 1-based): chr5:132,390,718, C>A. VCF-style: chr5-132390718-C-A. GRCh37 (hg19) VCF-style: chr5-131726410-C-A.
Other names: c.1153C>A, p.Leu385Ile (NM_001308122.2); short protein forms L361I, L385I.
Identifiers: ClinVar variation 3252419 (VCV003252419.2), dbSNP rs1412938894.